The following is an entry in ClinVar:

NM_020699.4(GATAD2B):c.298A>G (p.Ile100Val)

Gene: GATAD2B (GATA zinc finger domain containing 2B; minus strand). Cytogenetic location: 1q21.3.
Variant type: single nucleotide variant.
Coding change: c.298A>G on transcript NM_020699.4 (MANE Select); coding-DNA position 298, A replaced by G.
Protein change: p.Ile100Val; replaces isoleucine 100 with valine.
Molecular consequence: missense variant.
Genome position (GRCh38, 1-based): chr1:153,828,050, T>C on the plus strand (A>G on the coding strand, the complement: GATAD2B is on the minus strand). VCF-style: chr1-153828050-T-C. GRCh37 (hg19) VCF-style: chr1-153800526-T-C.
Other names: c.298A>G (NM_020699.2); short protein forms I100V.
Identifiers: ClinVar variation 2062587 (VCV002062587.3), dbSNP rs776332156, ClinGen allele CA1120903.

ClinVar aggregate classification (germline): Uncertain significance. Review status: criteria provided, multiple submitters, no conflicts (2 of 4 stars). 2 submissions from 2 submitters: Uncertain significance (2). Last evaluated 2024-04-04.

Conditions:
Inborn genetic diseases. Identifiers: MedGen C0950123, MeSH D030342.

Allele frequency attached by ClinVar (database versions not stated): ExAC 0.00001; TOPMed 0.00001.
gnomAD v4.1: 6 of 1,614,188 alleles (0.00037%); highest among the groups gnomAD compares: Admixed American, 0.0033%; no homozygotes.

Submissions (2):

Ambry Genetics
Classification: Uncertain significance for Inborn genetic diseases. Last evaluated: 2024-04-04. Review status: criteria provided, single submitter. Criteria: Ambry Variant Classification Scheme 2023. Collection method: clinical testing. Allele origin: germline.

Labcorp Genetics (formerly Invitae), Labcorp
Classification: Uncertain significance. Last evaluated: 2023-03-01. Review status: criteria provided, single submitter. Criteria: Invitae Variant Classification Sherloc (09022015). Collection method: clinical testing. Allele origin: germline.
Comment: In summary, the available evidence is currently insufficient to determine the role of this variant in disease. Therefore, it has been classified as a Variant of Uncertain Significance. This sequence change replaces isoleucine, which is neutral and non-polar, with valine, which is neutral and non-polar, at codon 100 of the GATAD2B protein (p.Ile100Val). This variant is present in population databases (rs776332156, gnomAD 0.006%). This variant has not been reported in the literature in individuals affected with GATAD2B-related conditions. ClinVar contains an entry for this variant (Variation ID: 2062587). Advanced modeling of protein sequence and biophysical properties (such as structural, functional, and spatial information, amino acid conservation, physicochemical variation, residue mobility, and thermodynamic stability) performed at Invitae indicates that this missense variant is not expected to disrupt GATAD2B protein function.